The following is an entry in ClinVar:

ClinVar aggregate classification (germline): Uncertain significance (1 of 4 stars; one submission).

Submission:

Ambry Genetics
Classification: Uncertain significance. Last evaluated: 2026-05-19. Review status: criteria provided, single submitter. Criteria: Ambry Variant Classification Scheme 2023. Collection method: clinical testing. Allele origin: germline.
Comment: The c.4492_4495dupAGTA variant, located in coding exon 40 of the KIF1B gene, results from a duplication of AGTA at nucleotide position 4492, causing a translational frameshift with a predicted alternate stop codon (p.I1499Kfs*12). The evidence for this gene-disease relationship is limited; therefore, the clinical significance of this variant is unclear.

NM_001365951.3(KIF1B):c.4630_4633dup (p.Ile1545fs)

Gene: KIF1B (kinesin family member 1B; plus strand). Cytogenetic location: 1p36.22.
Variant type: Duplication.
Coding change: c.4630_4633dup on transcript NM_001365951.3 (MANE Select); coding-DNA positions 4630 to 4633, 4 bases duplicated (AGTA; older notation c.4630_4633dupAGTA).
Protein change: p.Ile1545fs; shifts the reading frame from isoleucine 1545.
Molecular consequence: frameshift variant.
Genome position (GRCh38, 1-based): chr1:10,365,526-10,365,529, AGTA duplicated. VCF-style (leftmost placement, unchanged base first): chr1-10365525-C-CAGTA. GRCh37 (hg19) VCF-style: chr1-10425583-C-CAGTA.
Other names: c.4492_4495dupAGTA (NM_015074.3); c.4630_4633dup, p.Ile1545fs (NM_001365952.1); c.4492_4495dup, p.Ile1499fs (NM_015074.3); short protein forms I1499fs, I1545fs.
Identifiers: ClinVar variation 4858808 (VCV004858808.1).